The following is an entry in ClinVar:

NM_001042492.3(NF1):c.8114-3C>G

Gene: NF1 (neurofibromin 1; plus strand). Cytogenetic location: 17q11.2.
Variant type: single nucleotide variant.
Coding change: c.8114-3C>G on transcript NM_001042492.3 (MANE Select); 3 bases into the intron before coding-DNA position 8114, C replaced by G.
Molecular consequence: intron variant.
Genome position (GRCh38, 1-based): chr17:31,358,966, C>G. VCF-style: chr17-31358966-C-G. GRCh37 (hg19) VCF-style: chr17-29685984-C-G.
Other names: c.8051-3C>G (NM_000267.4).
Identifiers: ClinVar variation 2921097 (VCV002921097.1), dbSNP rs2151585945, ClinGen allele CA2733615427.

ClinVar aggregate classification (germline): Uncertain significance (1 of 4 stars; one submission).

Submission:

ARUP Laboratories, Molecular Genetics and Genomics, ARUP Laboratories
Classification: Uncertain significance. Last evaluated: 2023-10-10. Review status: criteria provided, single submitter. Criteria: ARUP Molecular Germline Variant Investigation Process 2024. Collection method: clinical testing. Allele origin: germline.
Comment: The NF1 c.8114-3C>G variant, also known as c.8051-3C>G for NM_000267, to our knowledge, is not reported in the medical literature or gene specific databases. This variant is also absent from the Genome Aggregation Database, indicating it is not a common polymorphism. This is an intronic variant in a weakly conserved nucleotide, but computational analyses (Alamut Visual Plus v.1.5.1) predict that this variant may impact splicing by weakening the nearby canonical acceptor splice site. Additionally, another variant in this splice site domain (c.8114-1G>C) has been reported in individuals with neurofibromatosis (Giugliano 2019, Paterra 2022). However, given the lack of clinical and functional data, the significance of the c.8114-3C>G variant is uncertain at this time. References: Giugliano T et al. Clinical and Genetic Findings in Children with Neurofibromatosis Type 1, Legius Syndrome, and Other Related Neurocutaneous Disorders. Genes (Basel). 2019 Jul 31;10(8):580. PMID: 31370276. Paterra R et al. A Translational Approach to Spinal Neurofibromatosis: Clinical and Molecular Insights from a Wide Italian Cohort. Cancers (Basel). 2022 Dec 22;15(1):59. PMID: 36612057.